The following is an entry in ClinVar:

ClinVar aggregate classification (germline): Benign/Likely benign. Review status: criteria provided, multiple submitters, no conflicts (2 of 4 stars). 15 submissions from 13 submitters: Benign (10); Likely benign (4). 1 of the submissions does not count toward it. Last evaluated 2026-02-04.

Conditions:
Retinal dystrophy. Also called: Inherited retinal dystrophy. Identifiers: Orphanet 71862, MedGen C0854723, MeSH D058499, MONDO:0019118, HP:0000556.
Usher syndrome type 1 (USH1). Also called: RETINITIS PIGMENTOSA AND CONGENITAL DEAFNESS. Identifiers: Orphanet 231169, Orphanet 886, MedGen C1568247, MONDO:0010168, OMIM 276900.
Autosomal dominant nonsyndromic hearing loss 11. Identifiers: Orphanet 90635, MedGen C1832475, MONDO:0011032, OMIM 601317.
Autosomal recessive nonsyndromic hearing loss 2. Also called: DEAFNESS, AUTOSOMAL RECESSIVE 2; NEUROSENSORY NONSYNDROMIC RECESSIVE DEAFNESS 2. Identifiers: Orphanet 90636, MedGen C1838701, MONDO:0010807, OMIM 600060.
Usher syndrome type 1B (USH1B). Also called: Usher syndrome type IB. Identifiers: MedGen C1848638, MONDO:0700087.

Allele frequency attached by ClinVar (database versions not stated): TOPMed 0.04990; gnomAD exomes 0.01179 and 0.01609; ExAC 0.02398; ESP Exome Variant Server 0.04240; 1000 Genomes Project 0.04393; gnomAD 0.04541 and 0.04825; 1000 Genomes Project 30x 0.04622.
gnomAD v4.1: 23,789 of 1,552,260 alleles (1.5%); highest among the groups gnomAD compares: African/African-American, 13%; 770 homozygotes.

Submissions (15):

Labcorp Genetics (formerly Invitae), Labcorp
Classification: Benign. Last evaluated: 2026-02-04. Review status: criteria provided, single submitter. Criteria: Invitae Variant Classification Sherloc (09022015). Collection method: clinical testing. Allele origin: germline.

ARUP Laboratories, Molecular Genetics and Genomics, ARUP Laboratories
Classification: Benign. Last evaluated: 2023-11-06. Review status: criteria provided, single submitter. Criteria: ARUP Molecular Germline Variant Investigation Process 2024. Collection method: clinical testing. Allele origin: germline.

Fulgent Genetics
Classification: Benign for Usher syndrome type 1; Autosomal recessive nonsyndromic hearing loss 2; Autosomal dominant nonsyndromic hearing loss 11. Last evaluated: 2022-04-28. Review status: criteria provided, single submitter. Criteria: ACMG Guidelines, 2015. Collection method: clinical testing. Allele origin: unknown.

Mayo Clinic Laboratories, Mayo Clinic
Classification: Benign. Last evaluated: 2022-03-22. Review status: criteria provided, single submitter. Criteria: ACMG Guidelines, 2015. Collection method: clinical testing. Allele origin: germline. Observed: 10 variant alleles.
Comment: BA1, BS1, BS2

Athena Diagnostics
Classification: Benign. Last evaluated: 2018-12-28. Review status: criteria provided, single submitter. Criteria: Athena Diagnostics Criteria. Collection method: clinical testing. Allele origin: germline.

SIB Swiss Institute of Bioinformatics
Classification: Benign for Usher syndrome type 1. Last evaluated: 2018-05-31. Review status: criteria provided, single submitter. Criteria: ACMG Guidelines, 2015. Collection method: curation. Allele origin: unknown.
Comment: This variant is interpreted as a Benign, for Usher syndrome 1B, in Autosomal Recessive manner. The following ACMG Tag(s) were applied: BS1 => Allele frequency is greater than expected for disorder. BS2 => Observed in a healthy adult individual for a recessive (homozygous), dominant (heterozygous), or X-linked (hemizygous) disorder, with full penetrance expected at an early age. 6 homozygotes in ExAC.

Illumina Laboratory Services, Illumina
Classification: Likely benign for Autosomal dominant nonsyndromic hearing loss 11. Last evaluated: 2017-04-27. Review status: criteria provided, single submitter. Criteria: ICSL Variant Classification Criteria 13 December 2019. Collection method: clinical testing. Allele origin: germline.
Comment: This variant was observed as part of a predisposition screen in an ostensibly healthy population. A literature search was performed for the gene, cDNA change, and amino acid change (where applicable). Publications were found based on this search. The evidence from the literature, in combination with allele frequency data from public databases where available, was sufficient to determine this variant is unlikely to cause disease. Therefore, this variant is classified as likely benign.

Illumina Laboratory Services, Illumina
Classification: Likely benign for Usher syndrome type 1. Last evaluated: 2017-04-27. Review status: criteria provided, single submitter. Criteria: ICSL Variant Classification Criteria 13 December 2019. Collection method: clinical testing. Allele origin: germline.
Comment: This variant was observed as part of a predisposition screen in an ostensibly healthy population. A literature search was performed for the gene, cDNA change, and amino acid change (where applicable). No publications were found based on this search. Allele frequency data from public databases allowed determination this variant is unlikely to cause disease. Therefore, this variant is classified as likely benign.

Illumina Laboratory Services, Illumina
Classification: Likely benign for Autosomal recessive nonsyndromic hearing loss 2. Last evaluated: 2017-04-27. Review status: criteria provided, single submitter. Criteria: ICSL Variant Classification Criteria 13 December 2019. Collection method: clinical testing. Allele origin: germline.
Comment: the same text as in the submission from Illumina Laboratory Services, Illumina above.

Eurofins Ntd Llc (ga)
Classification: Benign. Last evaluated: 2015-02-06. Review status: criteria provided, single submitter. Criteria: EGL Classification Definitions 2015. Collection method: clinical testing. Allele origin: germline. Observed: 1 variant allele, 1 heterozygote.

GeneDx
Classification: Benign. Last evaluated: 2013-04-05. Review status: criteria provided, single submitter. Criteria: GeneDx Variant Classification (06012015). Collection method: clinical testing. Allele origin: germline. Affected: yes.
Comment: This variant is considered likely benign or benign based on one or more of the following criteria: it is a conservative change, it occurs at a poorly conserved position in the protein, it is predicted to be benign by multiple in silico algorithms, and/or has population frequency not consistent with disease.

Laboratory for Molecular Medicine, Mass General Brigham Personalized Medicine
Classification: Benign. Last evaluated: 2009-06-23. Review status: criteria provided, single submitter. Criteria: LMM Criteria. Collection method: clinical testing. Allele origin: germline. Observed: 104 variant alleles.

Institute of Human Genetics, Univ. Regensburg, Univ. Regensburg
Classification: Benign for Retinal dystrophy. Last evaluated: 2009-01-01. Review status: criteria provided, single submitter. Criteria: ACMG Guidelines, 2015. Collection method: clinical testing. Allele origin: germline. Affected: yes.

Breakthrough Genomics
Classification: Likely benign. Review status: criteria provided, single submitter. Criteria: ACMG Guidelines, 2015. Collection method: not provided. Allele origin: germline. Inheritance: Autosomal recessive inheritance. Affected: yes.

Natera, Inc.
Classification: Benign for Usher syndrome type 1B. Last evaluated: 2020-09-16. Review status: no assertion criteria provided. Collection method: clinical testing. Allele origin: germline. Not counted in ClinVar's aggregate classification.

Literature cited by the submitters: PubMed 10094549 (cited by 3 submitters); PubMed 17960123 (cited by 3 submitters); PubMed 10425080 (cited by Laboratory for Molecular Medicine, Mass General Brigham Personalized Medicine); PubMed 12112664 (cited by Laboratory for Molecular Medicine, Mass General Brigham Personalized Medicine); PubMed 16963483 (cited by Laboratory for Molecular Medicine, Mass General Brigham Personalized Medicine); PubMed 16679490 (cited by Laboratory for Molecular Medicine, Mass General Brigham Personalized Medicine and Institute of Human Genetics, Univ. Regensburg, Univ. Regensburg); PubMed 21569298 (cited by Institute of Human Genetics, Univ. Regensburg, Univ. Regensburg); PubMed 25262649 (cited by Institute of Human Genetics, Univ. Regensburg, Univ. Regensburg); PubMed 27884173 (cited by Institute of Human Genetics, Univ. Regensburg, Univ. Regensburg); PubMed 30872718 (cited by Institute of Human Genetics, Univ. Regensburg, Univ. Regensburg).

NM_000260.4(MYO7A):c.5156A>G (p.Tyr1719Cys)

Gene: MYO7A (myosin VIIA; plus strand). Cytogenetic location: 11q13.5.
Variant type: single nucleotide variant.
Coding change: c.5156A>G on transcript NM_000260.4 (MANE Select); coding-DNA position 5156, A replaced by G.
Protein change: p.Tyr1719Cys; replaces tyrosine 1719 with cysteine.
Molecular consequence: missense variant.
Genome position (GRCh38, 1-based): chr11:77,202,412, A>G. VCF-style: chr11-77202412-A-G. GRCh37 (hg19) VCF-style: chr11-76913457-A-G.
Other names: p.Y1719C:TAT>TGT; NM_000260.3(MYO7A):c.5156A>G(p.Tyr1719Cys); NM_001127180.1(MYO7A):c.5042A>G(p.Tyr1681Cys); c.5042A>G, p.Tyr1681Cys (NM_001127180.2); c.5009A>G, p.Tyr1670Cys (NM_001369365.1); short protein forms Y1719C, Y1681C, Y1670C.
Identifiers: ClinVar variation 43274 (VCV000043274.37), dbSNP rs77625410, ClinGen allele CA132375.
Genomic context (GRCh38, chr11:77,202,412, plus strand): 5'-AGCTGCGAACGGCGGAGCCCGAGGTGCGTGCCAAGCCCTACACGCTGGAGGAGTTTTCCT[A>G]TGACTACTTCAGGTGATGCCTCCTGGGGAAGGATGGGAGCCACAGGGCTAGGAGCTGCAG-3'
Protein context (NP_000251.3, residues 1709-1729): AKPYTLEEFS[Tyr1719Cys]DYFRPPPKHT